The following is an entry in ClinVar:

NM_198904.4(GABRG2):c.827C>T (p.Thr276Ile)

Gene: GABRG2 (gamma-aminobutyric acid type A receptor subunit gamma2; plus strand). Cytogenetic location: 5q34.
Variant type: single nucleotide variant.
Coding change: c.827C>T on transcript NM_198904.4 (MANE Select); coding-DNA position 827, C replaced by T.
Protein change: p.Thr276Ile; replaces threonine 276 with isoleucine.
Molecular consequence: missense variant.
Genome position (GRCh38, 1-based): chr5:162,142,221, C>T. VCF-style: chr5-162142221-C-T. GRCh37 (hg19) VCF-style: chr5-161569227-C-T.
Other names: c.827C>T, p.Thr276Ile (NM_000816.3, NM_001375340.1); c.818C>T, p.Thr273Ile (NM_001375339.1); c.824C>T, p.Thr275Ile (NM_001375341.1, NM_001375342.1); c.947C>T, p.Thr316Ile (NM_001375343.1, NM_198903.2); c.866C>T, p.Thr289Ile (NM_001375344.1); c.761C>T, p.Thr254Ile (NM_001375345.1, NM_001375346.1); c.740C>T, p.Thr247Ile (NM_001375347.1); c.407C>T, p.Thr136Ile (NM_001375348.1, NM_001375350.1); and 1 more; short protein forms T136I, T181I, T247I, T254I, T273I, T275I, T276I, T289I.
Identifiers: ClinVar variation 3749775 (VCV003749775.2).
Genomic context (GRCh38, chr5:162,142,221, plus strand): 5'-CAGGAGATTATGTGGTCATGTCTGTCTACTTTGATCTGAGCAGAAGAATGGGATACTTTA[C>T]CATCCAGACCTATATCCCCTGCACACTCATTGTCGTCCTATCCTGGGTGTCTTTCTGGAT-3'
Protein context (NP_944494.1, residues 266-286): FDLSRRMGYF[Thr276Ile]IQTYIPCTLI

ClinVar aggregate classification (germline): Uncertain significance (1 of 4 stars; one submission).

Conditions:
Febrile seizures, familial, 8 (FEB8). Also called: CONVULSIONS, FAMILIAL FEBRILE, 8. Identifiers: Orphanet 36387, MedGen C1969810, MONDO:0011891, OMIM 607681.
EPILEPSY, CHILDHOOD ABSENCE, SUSCEPTIBILITY TO, 2 (ECA2). Identifiers: Orphanet 64280, MedGen C1843244, OMIM 607681.

Submission:

Labcorp Genetics (formerly Invitae), Labcorp
Classification: Uncertain significance for Febrile seizures, familial, 8; EPILEPSY, CHILDHOOD ABSENCE, SUSCEPTIBILITY TO, 2. Last evaluated: 2024-12-02. Review status: criteria provided, single submitter. Criteria: Invitae Variant Classification Sherloc (09022015). Collection method: clinical testing. Allele origin: germline.
Comment: This sequence change replaces threonine, which is neutral and polar, with isoleucine, which is neutral and non-polar, at codon 276 of the GABRG2 protein (p.Thr276Ile). This variant is not present in population databases (gnomAD no frequency). This variant has not been reported in the literature in individuals affected with GABRG2-related conditions. Invitae Evidence Modeling of protein sequence and biophysical properties (such as structural, functional, and spatial information, amino acid conservation, physicochemical variation, residue mobility, and thermodynamic stability) indicates that this missense variant is expected to disrupt GABRG2 protein function with a positive predictive value of 80%. In summary, the available evidence is currently insufficient to determine the role of this variant in disease. Therefore, it has been classified as a Variant of Uncertain Significance.